The following is an entry in ClinVar:

ClinVar aggregate classification (germline): Conflicting classifications of pathogenicity. Review status: criteria provided, conflicting classifications (1 of 4 stars). 5 submissions from 5 submitters: Uncertain significance (2); Benign (1); Likely benign (2). Last evaluated 2026-07-31.

Conditions:
Inborn genetic diseases. Identifiers: MedGen C0950123, MeSH D030342.
Peroxisome biogenesis disorder 3A (Zellweger). Also called: PEROXISOMAL BIOGENESIS DISORDER 3A (ZELLWEGER); Peroxisome biogenesis disorder 3A. Identifiers: Orphanet 912, MedGen C3553929, MONDO:0013927, OMIM 614859.
PEX12-related disorder. Also called: PEX12-related disorders; PEX12-related condition.

Allele frequency attached by ClinVar (database versions not stated): gnomAD exomes 0.00003 and 0.00017; gnomAD 0.00007 and 0.00008; TOPMed 0.00007; ExAC 0.00013; 1000 Genomes Project 30x 0.00047; 1000 Genomes Project 0.00060.

Submissions (5):

PreventionGenetics, part of Exact Sciences
Classification: Uncertain significance for PEX12-related condition. Last evaluated: 2026-07-31. Review status: criteria provided, single submitter. Criteria: ACMG Guidelines, 2015. Collection method: clinical testing. Allele origin: germline.
Comment: The PEX12 c.41C>A variant is predicted to result in the amino acid substitution p.Ala14Asp. To our knowledge, this variant has not been reported in the literature. This variant is reported in 0.25% of alleles in individuals of East Asian descent in gnomAD. Although we suspect that this variant may be benign, at this time, the clinical significance of this variant is uncertain due to the absence of conclusive functional and genetic evidence.

Labcorp Genetics (formerly Invitae), Labcorp
Classification: Likely benign for Peroxisome biogenesis disorder 3A (Zellweger). Last evaluated: 2026-01-24. Review status: criteria provided, single submitter. Criteria: Invitae Variant Classification Sherloc (09022015). Collection method: clinical testing. Allele origin: germline.

Blueprint Genetics
Classification: Benign. Last evaluated: 2024-10-08. Review status: criteria provided, single submitter. Criteria: ACMG Guidelines, 2015. Collection method: clinical testing. Allele origin: germline.

Ambry Genetics
Classification: Likely benign for Inborn genetic diseases. Last evaluated: 2022-05-27. Review status: criteria provided, single submitter. Criteria: Ambry Variant Classification Scheme 2023. Collection method: clinical testing. Allele origin: germline.

Illumina Laboratory Services, Illumina
Classification: Uncertain significance for Peroxisome biogenesis disorder 3A (Zellweger). Last evaluated: 2018-01-13. Review status: criteria provided, single submitter. Criteria: ICSL Variant Classification Criteria 13 December 2019. Collection method: clinical testing. Allele origin: germline.

NM_000286.3(PEX12):c.41C>A (p.Ala14Asp)

Gene: PEX12 (peroxisomal biogenesis factor 12; minus strand). Cytogenetic location: 17q12.
Variant type: single nucleotide variant.
Coding change: c.41C>A on transcript NM_000286.3 (MANE Select); coding-DNA position 41, C replaced by A.
Protein change: p.Ala14Asp; replaces alanine 14 with aspartic acid.
Molecular consequence: missense variant.
Genome position (GRCh38, 1-based): chr17:35,577,981, G>T on the plus strand (C>A on the coding strand, the complement: PEX12 is on the minus strand). VCF-style: chr17-35577981-G-T. GRCh37 (hg19) VCF-style: chr17-33905000-G-T.
Other names: short protein forms A14D.
Identifiers: ClinVar variation 322655 (VCV000322655.19), dbSNP rs193253559, ClinGen allele CA8504998.
Genomic context (GRCh38, chr17:35,577,981, plus strand): 5'-CTCACTGCTGTCATTAAACTGTCCTGTGCTACCACCTCAAAGATGGATGGCTGGTCATCG[G>T]CCACAGAAGCAGCTGTGAAGTGAGCCCCGTGCTCAGCCATAGTTTCCTGCGTGTACTGGC-3'
Protein context (NP_000277.1, residues 4-24): HGAHFTAASV[Ala14Asp]DDQPSIFEVV